The following is an entry in ClinVar:

ClinVar aggregate classification (germline): Uncertain significance (1 of 4 stars; one submission).

Submission:

Ambry Genetics
Classification: Uncertain significance. Last evaluated: 2025-03-08. Review status: criteria provided, single submitter. Criteria: Ambry Variant Classification Scheme 2023. Collection method: clinical testing. Allele origin: germline.
Comment: The p.A1978T variant (also known as c.5932G>A), located in coding exon 24 of the WNK2 gene, results from a G to A substitution at nucleotide position 5932. The alanine at codon 1978 is replaced by threonine, an amino acid with similar properties. This amino acid position is conserved. In addition, this alteration is predicted to be tolerated by in silico analysis. Based on the available evidence, the clinical significance of this variant remains unclear.

NM_006648.4(WNK2):c.5932G>A (p.Ala1978Thr)

Gene: WNK2 (WNK lysine deficient protein kinase 2; plus strand). Cytogenetic location: 9q22.31.
Variant type: single nucleotide variant.
Coding change: c.5932G>A on transcript NM_006648.4 (MANE Select); coding-DNA position 5932, G replaced by A.
Protein change: p.Ala1978Thr; replaces alanine 1978 with threonine.
Molecular consequence: missense variant.
Genome position (GRCh38, 1-based): chr9:93,299,078, G>A. VCF-style: chr9-93299078-G-A. GRCh37 (hg19) VCF-style: chr9-96061360-G-A.
Other names: c.6043G>A, p.Ala2015Thr (NM_001282394.3); short protein forms A1978T, A2015T.
Identifiers: ClinVar variation 3817241 (VCV003817241.1).